The following is an entry in ClinVar:

ClinVar aggregate classification (germline): Conflicting classifications of pathogenicity. Review status: criteria provided, conflicting classifications (1 of 4 stars). 2 submissions from 2 submitters: Likely pathogenic (1); Uncertain significance (1). Last evaluated 2026-04-14.

Conditions:
Polycystic kidney disease 4 (PKD4). Also called: Autosomal Recessive Polycystic Kidney Disease – PKHD1; POLYCYSTIC KIDNEY AND HEPATIC DISEASE 1; POLYCYSTIC KIDNEY DISEASE, INFANTILE, TYPE I; PKD3; POLYCYSTIC KIDNEY DISEASE 4 WITH OR WITHOUT POLYCYSTIC LIVER DISEASE. Identifiers: MedGen C4540575, MONDO:0033004, OMIM 263200.
Autosomal recessive polycystic kidney disease (ARPKD). Also called: AR polycystic kidney disease. Identifiers: Orphanet 731, Orphanet 8378, MedGen C0085548, MeSH D017044, MONDO:0009889.

Allele frequency attached by ClinVar (database versions not stated): gnomAD exomes below 0.00001.
gnomAD v4.1: 3 of 1,613,588 alleles (0.00019%); highest among the groups gnomAD compares: Non-Finnish European, 0.00025%; no homozygotes.

Submissions (2):

Myriad Genetics, Inc.
Classification: Uncertain significance for Polycystic kidney disease 4. Last evaluated: 2026-04-14. Review status: criteria provided, single submitter. Criteria: Myriad Autosomal Dominant, Autosomal Recessive and X-Linked Classification Criteria (2023). Collection method: clinical testing. Allele origin: unknown.
Comment: NM_138694.3(PKHD1):c.2747A>C(H916P) is a missense variant classified as a variant of uncertain significance in the context of autosomal recessive polycystic kidney disease, PKHD1-related. H916P has been observed in cases with relevant disease (PMID: 15698423, 33282801). Relevant functional assessments of this variant are not available in the literature. H916P has not been observed in referenced population frequency databases. In summary, there is insufficient evidence to classify NM_138694.3(PKHD1):c.2747A>C(H916P) as pathogenic or benign. Please note: this variant was assessed in the context of healthy population screening.

Laboratory of Molecular Genetics, Children's Memorial Health Institute
Classification: Likely pathogenic for Polycystic kidney disease 4. Last evaluated: 2020-09-30. Review status: criteria provided, single submitter. Criteria: ACMG Guidelines, 2015. Collection method: clinical testing. Allele origin: maternal. Inheritance: Autosomal recessive inheritance. Affected: yes. Observed: 1 compound heterozygote.

Literature cited by the submitters: PubMed 15698423 (cited by Myriad Genetics, Inc.); PubMed 33282801 (cited by Myriad Genetics, Inc.).

NM_138694.4(PKHD1):c.2747A>C (p.His916Pro)

Gene: PKHD1 (PKHD1 ciliary IPT domain containing fibrocystin/polyductin; minus strand). Cytogenetic location: 6p12.2.
Variant type: single nucleotide variant.
Coding change: c.2747A>C on transcript NM_138694.4 (MANE Select); coding-DNA position 2747, A replaced by C.
Protein change: p.His916Pro; replaces histidine 916 with proline.
Molecular consequence: missense variant.
Genome position (GRCh38, 1-based): chr6:52,043,699, T>G on the plus strand (A>C on the coding strand, the complement: PKHD1 is on the minus strand). VCF-style: chr6-52043699-T-G. GRCh37 (hg19) VCF-style: chr6-51908497-T-G.
Other names: c.2747A>C, p.His916Pro (NM_170724.3); short protein forms H916P.
Identifiers: ClinVar variation 978794 (VCV000978794.3), dbSNP rs1805300035, ClinGen allele CA364442669.